The following is an entry in ClinVar:

ClinVar aggregate classification (germline): Uncertain significance (1 of 4 stars; one submission).

Submission:

Labcorp Genetics (formerly Invitae), Labcorp
Classification: Uncertain significance. Last evaluated: 2020-02-12. Review status: criteria provided, single submitter. Criteria: Invitae Variant Classification Sherloc (09022015). Collection method: clinical testing. Allele origin: germline.
Comment: This variant is not present in population databases (ExAC no frequency). This variant has not been reported in the literature in individuals with SCN3A-related conditions. Algorithms developed to predict the effect of missense changes on protein structure and function (SIFT, PolyPhen-2, Align-GVGD) all suggest that this variant is likely to be disruptive, but these predictions have not been confirmed by published functional studies and their clinical significance is uncertain. In summary, the available evidence is currently insufficient to determine the role of this variant in disease. Therefore, it has been classified as a Variant of Uncertain Significance. This sequence change replaces glycine with arginine at codon 96 of the SCN3A protein (p.Gly96Arg). The glycine residue is highly conserved and there is a moderate physicochemical difference between glycine and arginine.

NM_006922.4(SCN3A):c.286G>A (p.Gly96Arg)

Gene: SCN3A (sodium voltage-gated channel alpha subunit 3; minus strand). Cytogenetic location: 2q24.3.
Variant type: single nucleotide variant.
Coding change: c.286G>A on transcript NM_006922.4 (MANE Select); coding-DNA position 286, G replaced by A.
Protein change: p.Gly96Arg; replaces glycine 96 with arginine.
Molecular consequence: missense variant.
Genome position (GRCh38, 1-based): chr2:165,170,527, C>T on the plus strand (G>A on the coding strand, the complement: SCN3A is on the minus strand). VCF-style: chr2-165170527-C-T. GRCh37 (hg19) VCF-style: chr2-166027037-C-T.
Other names: c.286G>A, p.Gly96Arg (NM_001081676.2, NM_001081677.2); short protein forms G96R.
Identifiers: ClinVar variation 1002242 (VCV001002242.9), dbSNP rs1690036657, ClinGen allele CA349240624.
Genomic context (GRCh38, chr2:165,170,527, plus strand): 5'-GGTTTAGTGGAGTTAAAATATACAAGGCAGAGGTGGCACTGAATCGGAAAATTGCCTTTC[C>T]TTTATTCATTACTATAAAAGTCTGAAAAAGAAAATACGAGTAAAATTACTAAATTAGACA-3'
Protein context (NP_008853.3, residues 86-106): NKKTFIVMNK[Gly96Arg]KAIFRFSATS